The following is an entry in ClinVar:

NM_000321.3(RB1):c.2436A>G (p.Pro812=)

Gene: RB1 (RB transcriptional corepressor 1; plus strand). Cytogenetic location: 13q14.2.
Variant type: single nucleotide variant.
Coding change: c.2436A>G on transcript NM_000321.3 (MANE Select); coding-DNA position 2436, A replaced by G.
Protein change: p.Pro812=; no amino-acid change (proline 812 retained).
Molecular consequence: synonymous variant.
Genome position (GRCh38, 1-based): chr13:48,465,315, A>G. VCF-style: chr13-48465315-A-G. GRCh37 (hg19) VCF-style: chr13-49039451-A-G.
Identifiers: ClinVar variation 458148 (VCV000458148.19), dbSNP rs1276641790, ClinGen allele CA483740346.

ClinVar aggregate classification (germline): Benign/Likely benign. Review status: criteria provided, multiple submitters, no conflicts (2 of 4 stars). 6 submissions from 6 submitters: Benign (1); Likely benign (5). Last evaluated 2026-06-25.

Conditions:
Retinoblastoma (RB1). Also called: RETINOBLASTOMA, SOMATIC. Identifiers: Orphanet 790, MedGen C0035335, MeSH D012175, MONDO:0008380, OMIM 180200, HP:0009919. Disease mechanism: loss of function. Inheritance: Both sporadic and heritable forms are tested..
Hereditary cancer-predisposing syndrome. Also called: Hereditary neoplastic syndrome; Neoplastic Syndromes, Hereditary; Hereditary Cancer Syndrome; Tumor predisposition. Identifiers: Orphanet 140162, MedGen C0027672, MeSH D009386, MONDO:0015356.

Allele frequency attached by ClinVar (database versions not stated): gnomAD exomes below 0.00001; TOPMed 0.00001; gnomAD 0.00001.
gnomAD v4.1: 5 of 1,611,458 alleles (0.00031%); highest among the groups gnomAD compares: African/African-American, 0.004%; no homozygotes.

Submissions (6):

Myriad Genetics, Inc.
Classification: Benign for Retinoblastoma. Last evaluated: 2026-06-25. Review status: criteria provided, single submitter. Criteria: Myriad Autosomal Dominant, Autosomal Recessive and X-Linked Classification Criteria (2023). Collection method: clinical testing. Allele origin: unknown.
Comment: This variant is considered benign. This variant is a silent/synonymous amino acid change and it is not expected to impact splicing.

Labcorp Genetics (formerly Invitae), Labcorp
Classification: Likely benign for Retinoblastoma. Last evaluated: 2025-09-13. Review status: criteria provided, single submitter. Criteria: Invitae Variant Classification Sherloc (09022015). Collection method: clinical testing. Allele origin: germline.

All of Us Research Program, National Institutes of Health
Classification: Likely benign for Retinoblastoma. Last evaluated: 2023-11-02. Review status: criteria provided, single submitter. Criteria: ACMG Guidelines, 2015. Collection method: clinical testing. Allele origin: germline. Inheritance: Autosomal dominant inheritance. Observed: 3 variant alleles, 3 heterozygotes.
Comment: This study involves interpretation of variants in research participants for the purpose of population health screening. Participant phenotype was not available at the time of variant classification. Additional details can be found in publication PMID: 35346344, PMCID: PMC8962531

Color Diagnostics, LLC DBA Color Health
Classification: Likely benign for Retinoblastoma. Last evaluated: 2022-05-04. Review status: criteria provided, single submitter. Criteria: ACMG Guidelines, 2015. Collection method: clinical testing. Allele origin: germline.

GeneDx
Classification: Likely benign. Last evaluated: 2020-11-30. Review status: criteria provided, single submitter. Criteria: GeneDx Variant Classification Process June 2021. Collection method: clinical testing. Allele origin: germline. Affected: yes.

Ambry Genetics
Classification: Likely benign for Hereditary cancer-predisposing syndrome. Last evaluated: 2018-12-21. Review status: criteria provided, single submitter. Criteria: Ambry Variant Classification Scheme 2023. Collection method: clinical testing. Allele origin: germline.